The following is an entry in ClinVar:

NM_001159699.2(FHL1):c.860T>C (p.Val287Ala)

Gene: FHL1 (four and a half LIM domains 1; plus strand). Cytogenetic location: Xq26.3.
Variant type: single nucleotide variant.
Coding change: c.860T>C on transcript NM_001159699.2 (MANE Select); coding-DNA position 860, T replaced by C.
Protein change: p.Val287Ala; replaces valine 287 with alanine.
Molecular consequence: missense variant. On other transcripts: 3 prime UTR variant (6), non-coding transcript variant (1).
Genome position (GRCh38, 1-based): chrX:136,209,994, T>C. VCF-style: chrX-136209994-T-C. GRCh37 (hg19) VCF-style: chrX-135292153-T-C.
Other names: c.812T>C, p.Val271Ala (NM_001159700.2, NM_001159704.1, NM_001167819.1 and 4 more transcripts); c.899T>C, p.Val300Ala (NM_001159701.2); c.*40T>C (NM_001159702.3, NM_001159703.2, NM_001330659.2 and 3 more transcripts); short protein forms V287A, V300A, V271A.
Identifiers: ClinVar variation 3850317 (VCV003850317.1).

ClinVar aggregate classification (germline): Uncertain significance (1 of 4 stars; one submission).

Conditions:
Cardiovascular phenotype. Identifiers: MedGen CN230736.

gnomAD v4.1: 1 of 1,211,320 alleles (0.000083%); highest among the groups gnomAD compares: South Asian, 0.0018%; no homozygotes.

Submission:

Ambry Genetics
Classification: Uncertain significance for Cardiovascular phenotype. Last evaluated: 2025-03-09. Review status: criteria provided, single submitter. Criteria: Ambry Variant Classification Scheme 2023. Collection method: clinical testing. Allele origin: germline.
Comment: The p.V271A variant (also known as c.812T>C), located in coding exon 5 of the FHL1 gene, results from a T to C substitution at nucleotide position 812. The valine at codon 271 is replaced by alanine, an amino acid with similar properties. This amino acid position is conserved. In addition, the in silico prediction for this alteration is inconclusive. Based on the available evidence, the clinical significance of this variant remains unclear.